The following is an entry in ClinVar:

NM_001349253.2(SCN11A):c.4607C>T (p.Thr1536Ile)

Gene: SCN11A (sodium voltage-gated channel alpha subunit 11; minus strand). Cytogenetic location: 3p22.2.
Variant type: single nucleotide variant.
Coding change: c.4607C>T on transcript NM_001349253.2 (MANE Select); coding-DNA position 4607, C replaced by T.
Protein change: p.Thr1536Ile; replaces threonine 1536 with isoleucine.
Molecular consequence: missense variant.
Genome position (GRCh38, 1-based): chr3:38,847,463, G>A on the plus strand (C>T on the coding strand, the complement: SCN11A is on the minus strand). VCF-style: chr3-38847463-G-A. GRCh37 (hg19) VCF-style: chr3-38888954-G-A.
Other names: c.4607C>T, p.Thr1536Ile (NM_014139.3); short protein forms T1536I.
Identifiers: ClinVar variation 541560 (VCV000541560.7), dbSNP rs766122411, ClinGen allele CA2321486.

ClinVar aggregate classification (germline): Uncertain significance (1 of 4 stars; one submission).

Conditions:
Hereditary sensory and autonomic neuropathy type 7. Also called: Neuropathy, hereditary sensory and autonomic, type VII; HSAN VII. Identifiers: Orphanet 391397, MedGen C3809882, MONDO:0014244, OMIM 615548.
Familial episodic pain syndrome with predominantly lower limb involvement. Also called: Episodic pain syndrome, familial, 3. Identifiers: Orphanet 391384, Orphanet 391392, MedGen C3809899, MONDO:0014247, OMIM 615552.

Allele frequency attached by ClinVar (database versions not stated): gnomAD exomes 0.00003; ExAC 0.00005; TOPMed 0.00002.
gnomAD v4.1: 19 of 1,614,098 alleles (0.0012%); highest among the groups gnomAD compares: Non-Finnish European, 0.0016%; no homozygotes.

Submission:

Labcorp Genetics (formerly Invitae), Labcorp
Classification: Uncertain significance for Familial episodic pain syndrome with predominantly lower limb involvement; Hereditary sensory and autonomic neuropathy type 7. Last evaluated: 2025-11-05. Review status: criteria provided, single submitter. Criteria: Invitae Variant Classification Sherloc (09022015). Collection method: clinical testing. Allele origin: germline.
Comment: This sequence change replaces threonine, which is neutral and polar, with isoleucine, which is neutral and non-polar, at codon 1536 of the SCN11A protein (p.Thr1536Ile). This variant is present in population databases (rs766122411, gnomAD 0.005%). This variant has not been reported in the literature in individuals affected with SCN11A-related conditions. This missense change has been observed in at least one individual who was not affected with SCN11A-related conditions (internal data). ClinVar contains an entry for this variant (Variation ID: 541560). Invitae Evidence Modeling of protein sequence and biophysical properties (such as structural, functional, and spatial information, amino acid conservation, physicochemical variation, residue mobility, and thermodynamic stability) indicates that this missense variant is expected to disrupt SCN11A protein function with a positive predictive value of 80%. In summary, the available evidence is currently insufficient to determine the role of this variant in disease. Therefore, it has been classified as a Variant of Uncertain Significance.